The following is an entry in ClinVar:

NM_001375567.1(FOCAD):c.3317G>C (p.Ser1106Thr)

Gene: FOCAD (focadhesin; plus strand). Cytogenetic location: 9p21.3.
Variant type: single nucleotide variant.
Coding change: c.3317G>C on transcript NM_001375567.1 (MANE Select); coding-DNA position 3317, G replaced by C.
Protein change: p.Ser1106Thr; replaces serine 1106 with threonine.
Molecular consequence: missense variant.
Genome position (GRCh38, 1-based): chr9:20,929,596, G>C. VCF-style: chr9-20929596-G-C. GRCh37 (hg19) VCF-style: chr9-20929595-G-C.
Other names: c.3212G>C, p.Ser1071Thr (NM_001375568.1, NM_001375570.1); c.3317G>C, p.Ser1106Thr (NM_017794.5); short protein forms S1071T, S1106T.
Identifiers: ClinVar variation 3642432 (VCV003642432.2).

ClinVar aggregate classification (germline): Uncertain significance (1 of 4 stars; one submission).

Submission:

Labcorp Genetics (formerly Invitae), Labcorp
Classification: Uncertain significance. Last evaluated: 2024-02-22. Review status: criteria provided, single submitter. Criteria: Invitae Variant Classification Sherloc (09022015). Collection method: clinical testing. Allele origin: germline.
Comment: This sequence change replaces serine, which is neutral and polar, with threonine, which is neutral and polar, at codon 1106 of the FOCAD protein (p.Ser1106Thr). This variant also falls at the last nucleotide of exon 29, which is part of the consensus splice site for this exon. This variant is not present in population databases (gnomAD no frequency). This variant has not been reported in the literature in individuals affected with FOCAD-related conditions. Experimental studies and prediction algorithms are not available or were not evaluated, and the functional significance of this variant is currently unknown. Variants that disrupt the consensus splice site are a relatively common cause of aberrant splicing (PMID: 17576681, 9536098). Algorithms developed to predict the effect of sequence changes on RNA splicing suggest that this variant may disrupt the consensus splice site. In summary, the available evidence is currently insufficient to determine the role of this variant in disease. Therefore, it has been classified as a Variant of Uncertain Significance.

Literature cited by the submitters: PubMed 17576681; PubMed 9536098.